The following is an entry in ClinVar:

NM_139276.3(STAT3):c.1165A>G (p.Thr389Ala)

Gene: STAT3 (signal transducer and activator of transcription 3; minus strand). Cytogenetic location: 17q21.2.
Variant type: single nucleotide variant.
Coding change: c.1165A>G on transcript NM_139276.3 (MANE Select); coding-DNA position 1165, A replaced by G.
Protein change: p.Thr389Ala; replaces threonine 389 with alanine.
Molecular consequence: missense variant.
Genome position (GRCh38, 1-based): chr17:42,329,622, T>C on the plus strand (A>G on the coding strand, the complement: STAT3 is on the minus strand). VCF-style: chr17-42329622-T-C. GRCh37 (hg19) VCF-style: chr17-40481640-T-C.
Other names: c.1165A>G, p.Thr389Ala (NM_001369512.1, NM_001369513.1, NM_001369514.1 and 7 more transcripts); short protein forms T389A.
Identifiers: ClinVar variation 948861 (VCV000948861.13), dbSNP rs2081905517, ClinGen allele CA399589036.

ClinVar aggregate classification (germline): Likely pathogenic. Review status: criteria provided, multiple submitters, no conflicts (2 of 4 stars). 2 submissions from 2 submitters: Likely pathogenic (2). Last evaluated 2025-06-17.

Conditions:
Hyper-IgE recurrent infection syndrome 1, autosomal dominant. Also called: STAT3 Hyper IgE Syndrome; JOB SYNDROME; Hyper-IgE recurrent infection syndrome 1; HYPER-IgE SYNDROME 1, AUTOSOMAL DOMINANT, WITH RECURRENT INFECTIONS; Job's Syndrome. Identifiers: Orphanet 2314, MedGen C2936739, MONDO:0007818, OMIM 147060.
STAT3 gain of function. Identifiers: MedGen C4288261.

Submissions (2):

Labcorp Genetics (formerly Invitae), Labcorp
Classification: Likely pathogenic for STAT3 gain of function; Hyper-IgE recurrent infection syndrome 1, autosomal dominant. Last evaluated: 2025-06-17. Review status: criteria provided, single submitter. Criteria: Invitae Variant Classification Sherloc (09022015). Collection method: clinical testing. Allele origin: germline.
Comment: This sequence change replaces threonine, which is neutral and polar, with alanine, which is neutral and non-polar, at codon 389 of the STAT3 protein (p.Thr389Ala). This variant is not present in population databases (gnomAD no frequency). This missense change has been observed in individual(s) with clinical features of STAT3 gain of function autoimmune disease (internal data). In at least one individual the variant was observed to be de novo. ClinVar contains an entry for this variant (Variation ID: 948861). Invitae Evidence Modeling of protein sequence and biophysical properties (such as structural, functional, and spatial information, amino acid conservation, physicochemical variation, residue mobility, and thermodynamic stability) indicates that this missense variant is not expected to disrupt STAT3 protein function with a negative predictive value of 80%. In summary, the currently available evidence indicates that the variant is pathogenic, but additional data are needed to prove that conclusively. Therefore, this variant has been classified as Likely Pathogenic.

GeneDx
Classification: Likely pathogenic. Last evaluated: 2019-11-27. Review status: criteria provided, single submitter. Criteria: GeneDx Variant Classification Process June 2021. Collection method: clinical testing. Allele origin: germline. Affected: yes.
Comment: Not observed in large population cohorts (Lek et al., 2016); In silico analysis, which includes protein predictors and evolutionary conservation, supports a deleterious effect; Has not been previously published as pathogenic or benign to our knowledge